The following is an entry in ClinVar:

NM_001145809.2(MYH14):c.1925C>T (p.Thr642Met)

Gene: MYH14 (myosin heavy chain 14; plus strand). Cytogenetic location: 19q13.33.
Variant type: single nucleotide variant.
Coding change: c.1925C>T on transcript NM_001145809.2 (MANE Select); coding-DNA position 1925, C replaced by T.
Protein change: p.Thr642Met; replaces threonine 642 with methionine.
Molecular consequence: missense variant.
Genome position (GRCh38, 1-based): chr19:50,252,733, C>T. VCF-style: chr19-50252733-C-T. GRCh37 (hg19) VCF-style: chr19-50755990-C-T.
Other names: c.1925C>T, p.Thr642Met (NM_001077186.2); c.1901C>T, p.Thr634Met (NM_024729.4); short protein forms T642M, T634M.
Identifiers: ClinVar variation 4977554 (VCV004977554.1).

ClinVar aggregate classification (germline): Uncertain significance (1 of 4 stars; one submission).

Conditions:
MYH14-related disorder. Also called: MYH14-related condition.

gnomAD v4.1: 71 of 1,591,756 alleles (0.0045%); highest among the groups gnomAD compares: Middle Eastern, 0.066%; no homozygotes.

Submission:

PreventionGenetics, part of Exact Sciences
Classification: Uncertain significance for MYH14-related condition. Last evaluated: 2026-07-11. Review status: criteria provided, single submitter. Criteria: ACMG Guidelines, 2015. Collection method: clinical testing. Allele origin: germline.
Comment: The MYH14 c.1925C>T variant is predicted to result in the amino acid substitution p.Thr642Met. To our knowledge, this variant has not been reported in the literature. This variant is reported in 0.0084% of alleles in individuals of African descent in gnomAD. At this time, the clinical significance of this variant is uncertain due to the absence of conclusive functional and genetic evidence.